The following is an entry in ClinVar:

ClinVar aggregate classification (germline): Uncertain significance (1 of 4 stars; one submission).

Conditions:
Early-infantile DEE. Also called: Early infantile epileptic encephalopathy; Ohtahara syndrome; Early infantile epileptic encephalopathy with suppression bursts. Identifiers: Orphanet 1934, MedGen C0393706, MONDO:0800491.

Allele frequency attached by ClinVar (database versions not stated): TOPMed below 0.00001.
gnomAD v4.1: 5 of 1,613,932 alleles (0.00031%); highest among the groups gnomAD compares: South Asian, 0.0044%; no homozygotes.

Submission:

Labcorp Genetics (formerly Invitae), Labcorp
Classification: Uncertain significance for Early-infantile DEE. Last evaluated: 2024-01-29. Review status: criteria provided, single submitter. Criteria: Invitae Variant Classification Sherloc (09022015). Collection method: clinical testing. Allele origin: germline.
Comment: This sequence change replaces leucine, which is neutral and non-polar, with glutamine, which is neutral and polar, at codon 673 of the HCN1 protein (p.Leu673Gln). This variant is not present in population databases (gnomAD no frequency). This variant has not been reported in the literature in individuals affected with HCN1-related conditions. Advanced modeling of protein sequence and biophysical properties (such as structural, functional, and spatial information, amino acid conservation, physicochemical variation, residue mobility, and thermodynamic stability) performed at Invitae indicates that this missense variant is not expected to disrupt HCN1 protein function with a negative predictive value of 80%. In summary, the available evidence is currently insufficient to determine the role of this variant in disease. Therefore, it has been classified as a Variant of Uncertain Significance.

NM_021072.4(HCN1):c.2018T>A (p.Leu673Gln)

Gene: HCN1 (hyperpolarization activated cyclic nucleotide gated potassium channel 1; minus strand). Cytogenetic location: 5p12.
Variant type: single nucleotide variant.
Coding change: c.2018T>A on transcript NM_021072.4 (MANE Select); coding-DNA position 2018, T replaced by A.
Protein change: p.Leu673Gln; replaces leucine 673 with glutamine.
Molecular consequence: missense variant.
Genome position (GRCh38, 1-based): chr5:45,262,576, A>T on the plus strand (T>A on the coding strand, the complement: HCN1 is on the minus strand). VCF-style: chr5-45262576-A-T. GRCh37 (hg19) VCF-style: chr5-45262678-A-T.
Other names: short protein forms L673Q.
Identifiers: ClinVar variation 2897745 (VCV002897745.3), dbSNP rs750680736, ClinGen allele CA359704222.